The following is an entry in ClinVar:

NM_000127.3(EXT1):c.646C>G (p.Leu216Val)

Gene: EXT1 (exostosin glycosyltransferase 1; minus strand). Cytogenetic location: 8q24.11.
Variant type: single nucleotide variant.
Coding change: c.646C>G on transcript NM_000127.3 (MANE Select); coding-DNA position 646, C replaced by G.
Protein change: p.Leu216Val; replaces leucine 216 with valine.
Molecular consequence: missense variant.
Genome position (GRCh38, 1-based): chr8:118,110,401, G>C on the plus strand (C>G on the coding strand, the complement: EXT1 is on the minus strand). VCF-style: chr8-118110401-G-C. GRCh37 (hg19) VCF-style: chr8-119122640-G-C.
Other names: short protein forms L216V.
Identifiers: ClinVar variation 2894347 (VCV002894347.3), dbSNP rs781678414, ClinGen allele CA4854332.

ClinVar aggregate classification (germline): Uncertain significance (1 of 4 stars; one submission).

Conditions:
Multiple congenital exostosis (EXT). Also called: Hereditary multiple osteochondromas; Multiple exostoses; Multiple osteochondromas; MULTIPLE CARTILAGINOUS EXOSTOSES; Hereditary multiple exostoses; Hereditary multiple exostosis. Identifiers: Orphanet 321, MedGen C0015306, MONDO:0005508, HP:0002762.

Allele frequency attached by ClinVar (database versions not stated): gnomAD exomes below 0.00001; gnomAD 0.00001; TOPMed 0.00001; ExAC 0.00002.
gnomAD v4.1: 3 of 1,613,798 alleles (0.00019%); highest among the groups gnomAD compares: Non-Finnish European, 0.00025%; no homozygotes.

Submission:

Labcorp Genetics (formerly Invitae), Labcorp
Classification: Uncertain significance for Multiple congenital exostosis. Last evaluated: 2023-08-10. Review status: criteria provided, single submitter. Criteria: Invitae Variant Classification Sherloc (09022015). Collection method: clinical testing. Allele origin: germline.
Comment: In summary, the available evidence is currently insufficient to determine the role of this variant in disease. Therefore, it has been classified as a Variant of Uncertain Significance. Advanced modeling of protein sequence and biophysical properties (such as structural, functional, and spatial information, amino acid conservation, physicochemical variation, residue mobility, and thermodynamic stability) performed at Invitae indicates that this missense variant is not expected to disrupt EXT1 protein function. This variant has not been reported in the literature in individuals affected with EXT1-related conditions. This variant is present in population databases (rs781678414, gnomAD 0.0009%). This sequence change replaces leucine, which is neutral and non-polar, with valine, which is neutral and non-polar, at codon 216 of the EXT1 protein (p.Leu216Val).